The following is an entry in ClinVar:

NM_006618.5(KDM5B):c.2265C>A (p.Tyr755Ter)

Gene: KDM5B (lysine demethylase 5B; minus strand). Cytogenetic location: 1q32.1.
Variant type: single nucleotide variant.
Coding change: c.2265C>A on transcript NM_006618.5 (MANE Select); coding-DNA position 2265, C replaced by A.
Protein change: p.Tyr755Ter; replaces tyrosine 755 with a stop codon.
Molecular consequence: nonsense.
Genome position (GRCh38, 1-based): chr1:202,745,916, G>T on the plus strand (C>A on the coding strand, the complement: KDM5B is on the minus strand). VCF-style: chr1-202745916-G-T. GRCh37 (hg19) VCF-style: chr1-202715044-G-T.
Other names: c.2373C>A, p.Tyr791Ter (NM_001314042.2); c.2130C>A, p.Tyr710Ter (NM_001347591.2); c.2250C>A, p.Tyr750Ter (NM_001399817.1); short protein forms Y710*, Y750*, Y755*, Y791*.
Identifiers: ClinVar variation 1686735 (VCV001686735.3), dbSNP rs746837045, ClinGen allele CA1334487.

ClinVar aggregate classification (germline): Pathogenic (1 of 4 stars; one submission).

Allele frequency attached by ClinVar (database versions not stated): gnomAD exomes 0.00002; ExAC 0.00003.
gnomAD v4.1: 15 of 1,613,930 alleles (0.00093%); highest among the groups gnomAD compares: Admixed American, 0.0017%; no homozygotes.

Submission:

GeneDx
Classification: Pathogenic. Last evaluated: 2025-10-01. Review status: criteria provided, single submitter. Criteria: GeneDx Variant Classification Process June 2021. Collection method: clinical testing. Allele origin: germline.
Comment: De novo with confirmed parentage in an individual with autism spectrum disorder in published literature (PMID: 28720891); Nonsense variant predicted to result in protein truncation or nonsense mediated decay in a gene for which loss of function is a known mechanism of disease; This variant is associated with the following publications: (PMID: 28720891)